The following is an entry in ClinVar:

ClinVar aggregate classification (germline): Uncertain significance. Review status: criteria provided, multiple submitters, no conflicts (2 of 4 stars). 2 submissions from 2 submitters: Uncertain significance (2). Last evaluated 2026-09-19.

Conditions:
Neurodevelopmental disorder. Identifiers: MedGen C1535926, MeSH D065886, MONDO:0700092.

Submissions (2):

GeneDx
Classification: Uncertain significance. Last evaluated: 2026-09-19. Review status: criteria provided, single submitter. Criteria: GeneDx Variant Classification Process June 2021. Collection method: clinical testing. Allele origin: germline.
Comment: Identified in a patient with clinical features consistent with CELF4-related neurodevelopmental disorder in the published literature (PMID: 40108438); Not observed at significant frequency in large population cohorts (gnomAD); In silico analysis supports that this missense variant has a deleterious effect on protein structure/function; In silico analysis suggests this variant may impact gene splicing. In the absence of RNA/functional studies, the actual effect of this sequence change is unknown.; This variant is associated with the following publications: (PMID: 40108438)

Equipe Genetique des Anomalies du Developpement, Université de Bourgogne
Classification: Uncertain significance for Neurodevelopmental disorder. Last evaluated: 2024-09-24. Review status: criteria provided, single submitter. Criteria: ACMG Guidelines, 2015. Collection method: research. Allele origin: inherited. Affected: yes.

NM_020180.4(CELF4):c.578G>T (p.Gly193Val)

Genes: CELF4 (CUGBP Elav-like family member 4; minus strand), LOC105372068 (uncharacterized LOC105372068; plus strand). Cytogenetic location: 18q12.2.
Variant type: single nucleotide variant.
Coding change: c.578G>T on transcript NM_020180.4 (MANE Select); coding-DNA position 578, G replaced by T.
Protein change: p.Gly193Val; replaces glycine 193 with valine.
Molecular consequence: missense variant. On other transcripts: non-coding transcript variant (11).
Genome position (GRCh38, 1-based): chr18:37,274,884, C>A on the plus strand (G>T on the coding strand, the complement: CELF4 is on the minus strand). VCF-style: chr18-37274884-C-A. GRCh37 (hg19) VCF-style: chr18-34854847-C-A.
Other names: c.545G>T, p.Gly182Val (NM_001353714.2, NM_001353722.2, NM_001353733.2 and 16 more transcripts); c.548G>T, p.Gly183Val (NM_001353715.2, NM_001353717.2, NM_001353719.2 and 12 more transcripts); c.575G>T, p.Gly192Val (NM_001353716.2, NM_001353718.2, NM_001353737.2 and 12 more transcripts); c.578G>T, p.Gly193Val (NM_001353734.2, NM_001353736.2, NM_001353740.2 and 11 more transcripts); c.206G>T, p.Gly69Val (NM_001353756.2, NM_001353761.2); c.179G>T, p.Gly60Val (NM_001353757.2, NM_001353760.2); c.176G>T, p.Gly59Val (NM_001353758.2, NM_001353759.2); c.578G>T (NM_020180.3); short protein forms G182V, G183V, G192V, G193V, G59V, G60V, G69V.
Identifiers: ClinVar variation 3362801 (VCV003362801.3).